The following is an entry in ClinVar:

NM_000090.4(COL3A1):c.121G>T (p.Asp41Tyr)

Gene: COL3A1 (collagen type III alpha 1 chain; plus strand). Cytogenetic location: 2q32.2.
Variant type: single nucleotide variant.
Coding change: c.121G>T on transcript NM_000090.4 (MANE Select); coding-DNA position 121, G replaced by T.
Protein change: p.Asp41Tyr; replaces aspartic acid 41 with tyrosine.
Molecular consequence: missense variant.
Genome position (GRCh38, 1-based): chr2:188,984,801, G>T. VCF-style: chr2-188984801-G-T. GRCh37 (hg19) VCF-style: chr2-189849527-G-T.
Other names: p.D41Y:GAT>TAT; short protein forms D41Y.
Identifiers: ClinVar variation 199691 (VCV000199691.16), dbSNP rs794728035, ClinGen allele CA004135.
Genomic context (GRCh38, chr2:188,984,801, plus strand): 5'-CATCTAACTTGTTTTTCAGCTGTTGAAGGAGGATGTTCCCATCTTGGTCAGTCCTATGCG[G>T]ATAGAGATGTCTGGAAGCCAGAACCATGCCAAATATGTGTCTGTGACTCAGGATCCGTTC-3'
Protein context (NP_000081.2, residues 31-51): GCSHLGQSYA[Asp41Tyr]RDVWKPEPCQ

ClinVar aggregate classification (germline): Uncertain significance. Review status: criteria provided, multiple submitters, no conflicts (2 of 4 stars). 5 submissions from 5 submitters: Uncertain significance (5). Last evaluated 2026-01-19.

Conditions:
Polymicrogyria with or without vascular-type Ehlers-Danlos syndrome. Identifiers: Orphanet 636941, MedGen C5193040, MONDO:0032688, OMIM 618343.
Ehlers-Danlos syndrome, type 4 (EDSVASC). Also called: Ehlers-Danlos syndrome vascular type; Ehlers Danlos syndrome, ecchymotic type; Ehlers Danlos syndrome, arterial type; Ehlers Danlos syndrome, Sack-Barabas type; Ehlers-Danlos Syndrome Type IV. Identifiers: Orphanet 286, MedGen C0268338, MONDO:0017314, OMIM 130050.
Familial thoracic aortic aneurysm and aortic dissection (TAAD). Also called: Thoracic aortic aneurysms and dissections. Identifiers: Orphanet 91387, MedGen C4707243, MONDO:0019625.

Allele frequency attached by ClinVar (database versions not stated): gnomAD 0.00001; TOPMed 0.00001.
gnomAD v4.1: 9 of 1,613,042 alleles (0.00056%); highest among the groups gnomAD compares: Admixed American, 0.0033%; no homozygotes.

Submissions (5):

Labcorp Genetics (formerly Invitae), Labcorp
Classification: Uncertain significance for Ehlers-Danlos syndrome, type 4. Last evaluated: 2026-01-19. Review status: criteria provided, single submitter. Criteria: Invitae Variant Classification Sherloc (09022015). Collection method: clinical testing. Allele origin: germline.
Comment: This sequence change replaces aspartic acid, which is acidic and polar, with tyrosine, which is neutral and polar, at codon 41 of the COL3A1 protein (p.Asp41Tyr). This variant is present in population databases (rs794728035, gnomAD 0.003%). This variant has not been reported in the literature in individuals affected with COL3A1-related conditions. ClinVar contains an entry for this variant (Variation ID: 199691). Invitae Evidence Modeling of protein sequence and biophysical properties (such as structural, functional, and spatial information, amino acid conservation, physicochemical variation, residue mobility, and thermodynamic stability) indicates that this missense variant is not expected to disrupt COL3A1 protein function with a negative predictive value of 95%. In summary, the available evidence is currently insufficient to determine the role of this variant in disease. Therefore, it has been classified as a Variant of Uncertain Significance.

Color Diagnostics, LLC DBA Color Health
Classification: Uncertain significance for Familial thoracic aortic aneurysm and aortic dissection. Last evaluated: 2024-09-23. Review status: criteria provided, single submitter. Criteria: ACMG Guidelines, 2015. Collection method: clinical testing. Allele origin: germline.
Comment: This missense variant replaces aspartic acid with tyrosine at codon 41 of the COL3A1 protein. Computational prediction suggests that this variant may not impact protein structure and function. To our knowledge, functional studies have not been reported for this variant. This variant has not been reported in individuals affected with COL3A1-related disorders in the literature. This variant has been identified in 4/250970 chromosomes in the general population by the Genome Aggregation Database (gnomAD). The available evidence is insufficient to determine the role of this variant in disease conclusively. Therefore, this variant is classified as a Variant of Uncertain Significance.

All of Us Research Program, National Institutes of Health
Classification: Uncertain significance for Ehlers-Danlos syndrome, type 4. Last evaluated: 2023-10-30. Review status: criteria provided, single submitter. Criteria: ACMG Guidelines, 2015. Collection method: clinical testing. Allele origin: germline. Inheritance: Autosomal dominant inheritance. Observed: 3 variant alleles, 3 heterozygotes.
Comment: This missense variant replaces aspartic acid with tyrosine at codon 41 of the COL3A1 protein. Computational prediction suggests that this variant may not impact protein structure and function (internally defined REVEL score threshold <= 0.5, PMID: 27666373). To our knowledge, functional studies have not been reported for this variant. This variant has not been reported in individuals affected with cardiovascular disorders in the literature. This variant has been identified in 4/250970 chromosomes in the general population by the Genome Aggregation Database (gnomAD). The available evidence is insufficient to determine the role of this variant in disease conclusively. Therefore, this variant is classified as a Variant of Uncertain Significance.

This study involves interpretation of variants in research participants for the purpose of population health screening. Participant phenotype was not available at the time of variant classification. Additional details can be found in publication PMID: 35346344, PMCID: PMC8962531

Fulgent Genetics
Classification: Uncertain significance for Ehlers-Danlos syndrome, type 4; Polymicrogyria with or without vascular-type Ehlers-Danlos syndrome. Last evaluated: 2021-09-13. Review status: criteria provided, single submitter. Criteria: ACMG Guidelines, 2015. Collection method: clinical testing. Allele origin: unknown.

GeneDx
Classification: Uncertain significance. Last evaluated: 2021-01-19. Review status: criteria provided, single submitter. Criteria: GeneDx Variant Classification Process June 2021. Collection method: clinical testing. Allele origin: germline. Affected: yes.
Comment: Has not been previously published as pathogenic or benign to our knowledge; Not observed at a significant frequency in large population cohorts (Lek et al., 2016); In silico analysis supports that this missense variant has a deleterious effect on protein structure/function; Not located in the triple helical region, where the majority of pathogenic missense variants occur (Stenson et al., 2014); Reported in ClinVar (ClinVar Variant ID# 199691; Landrum et al., 2016)